The following is an entry in ClinVar:

NM_000071.3(CBS):c.313C>G (p.Leu105Val)

Gene: CBS (cystathionine beta-synthase; minus strand). Cytogenetic location: 21q22.3.
Variant type: single nucleotide variant.
Coding change: c.313C>G on transcript NM_000071.3 (MANE Select); coding-DNA position 313, C replaced by G.
Protein change: p.Leu105Val; replaces leucine 105 with valine.
Molecular consequence: missense variant.
Genome position (GRCh38, 1-based): chr21:43,068,512, G>C on the plus strand (C>G on the coding strand, the complement: CBS is on the minus strand). VCF-style: chr21-43068512-G-C. GRCh37 (hg19) VCF-style: chr21-44488622-G-C.
Other names: c.313C>G, p.Leu105Val (NM_001178008.3, NM_001178009.3, NM_001320298.2); short protein forms L105V.
Identifiers: ClinVar variation 641139 (VCV000641139.7), dbSNP rs1601375543, ClinGen allele CA410601983.
Genomic context (GRCh38, chr21:43,068,512, plus strand): 5'-GGCCCACGGAGCCCAGTGTAGATGGAGGAAGCCCCTCTCCAAAGCCAGGGCACTCACAGA[G>C]CTCACACTTCAGGCCGAACTTCTTCCCAATCTTGTTGATTCTGACCATAGGGGTGTCCCC-3'
Protein context (NP_000062.1, residues 95-115): IGKKFGLKCE[Leu105Val]LAKCEFFNAG

ClinVar aggregate classification (germline): Uncertain significance. Review status: criteria provided, single submitter (1 of 4 stars). 2 submissions from 2 submitters: Uncertain significance (1). 1 of the submissions does not count toward it. Last evaluated 2021-08-27.

Conditions:
Classic homocystinuria. Also called: Homocystinuria due to Cystathionine Beta-Synthase Deficiency; Homocystinuria due to CBS deficiency; Cystathionine beta-synthase deficiency; CBS deficiency; HOMOCYSTINURIA WITH OR WITHOUT RESPONSE TO PYRIDOXINE. Identifiers: Orphanet 394, MedGen C0751202, MONDO:0009352, OMIM 236200.
HYPERHOMOCYSTEINEMIA, THROMBOTIC, CBS-RELATED. Identifiers: MedGen C3150344, OMIM 236200.

Allele frequency attached by ClinVar (database versions not stated): gnomAD exomes 0.00001.
gnomAD v4.1: 3 of 348,138 alleles (0.00086%); highest among the groups gnomAD compares: Non-Finnish European, 0.0016%; no homozygotes.

Submissions (2):

Labcorp Genetics (formerly Invitae), Labcorp
Classification: Uncertain significance for HYPERHOMOCYSTEINEMIA, THROMBOTIC, CBS-RELATED. Last evaluated: 2021-08-27. Review status: criteria provided, single submitter. Criteria: Invitae Variant Classification Sherloc (09022015). Collection method: clinical testing. Allele origin: germline.
Comment: This sequence change replaces leucine with valine at codon 105 of the CBS protein (p.Leu105Val). The leucine residue is moderately conserved and there is a small physicochemical difference between leucine and valine. This variant is not present in population databases (ExAC no frequency). This missense change has been observed in individual(s) with cystathionine beta-synthase deficiency (PMID: 10338090). This variant is also known as g.3680C>G c.313del4. Algorithms developed to predict the effect of missense changes on protein structure and function (SIFT, PolyPhen-2, Align-GVGD) all suggest that this variant is likely to be tolerated. Algorithms developed to predict the effect of sequence changes on RNA splicing suggest that this variant may create or strengthen a splice site. In summary, the available evidence is currently insufficient to determine the role of this variant in disease. Therefore, it has been classified as a Variant of Uncertain Significance.

Child Health and Human Development Program, Research Institute of the McGill University Health Center
Classification: Pathogenic for Classic homocystinuria. Review status: no assertion criteria provided. Collection method: clinical testing. Allele origin: unknown. Inheritance: Autosomal recessive inheritance. Affected: yes. Observed: 1 compound heterozygote. Not counted in ClinVar's aggregate classification.
Comment: Clinical characteristics included lens dislocation and elevated fasting homocysteine.

Literature cited by the submitters: PubMed 10338090 (cited by Labcorp Genetics (formerly Invitae), Labcorp).